The following is an entry in ClinVar:

NM_002890.3(RASA1):c.1918G>T (p.Glu640Ter)

Genes: CCNH (cyclin H; minus strand), RASA1 (RAS p21 protein activator 1; plus strand). Cytogenetic location: 5q14.3.
Variant type: single nucleotide variant.
Coding change: c.1918G>T on transcript NM_002890.3 (MANE Select); coding-DNA position 1918, G replaced by T.
Protein change: p.Glu640Ter; replaces glutamic acid 640 with a stop codon.
Molecular consequence: nonsense. On other transcripts: intron variant (1).
Genome position (GRCh38, 1-based): chr5:87,374,304, G>T. VCF-style: chr5-87374304-G-T. GRCh37 (hg19) VCF-style: chr5-86670121-G-T.
Other names: c.1387G>T, p.Glu463Ter (NM_022650.3); c.933+20740C>A (NM_001364075.2); short protein forms E640*, E463*.
Identifiers: ClinVar variation 4974566 (VCV004974566.1).
Genomic context (GRCh38, chr5:87,374,304, plus strand): 5'-CTGAATAGTGTCCAAGTAGCAAAAACTCATGCAAGGGAAGGGCAAAACCCAGTATGGTCA[G>T]AAGAGTTTGTCTTTGAGTAAGTCTTATTTTATCATTACATTAATCATTTTCTTTTACCAT-3'

ClinVar aggregate classification (germline): Pathogenic (1 of 4 stars; one submission).

Submission:

Clinical Genomics Laboratory, Washington University in St. Louis
Classification: Pathogenic. Last evaluated: 2026-02-13. Review status: criteria provided, single submitter. Criteria: Leon-Quintero et al. (Clin Genet. 2025). Collection method: clinical testing. Allele origin: somatic.
Comment: A RASA1 c.1918G>T (p.Glu640*) variant was identified at an allelic fraction consistent with somatic origin. This variant, to our knowledge, has not been reported in the medical literature or the ClinVar database. It is absent from the general population (gnomAD v4.1.0), indicating it is not a common variant. This variant leads to a premature termination codon, which is predicted to lead to nonsense mediated decay. Based on available information and an internally developed protocol informed by the ACMG/AMP guidelines for variant interpretation and gene-specific practices from the ClinGen Criteria Specification Registry (Leon-Quintero FZ et al., PMID: 39434542), the RASA1 c.1918G>T (p.Glu640*) variant is classified as pathogenic.